The following is an entry in ClinVar:

ClinVar aggregate classification (germline): Uncertain significance (1 of 4 stars; one submission).

Submission:

Labcorp Genetics (formerly Invitae), Labcorp
Classification: Uncertain significance. Last evaluated: 2025-02-19. Review status: criteria provided, single submitter. Criteria: Invitae Variant Classification Sherloc (09022015). Collection method: clinical testing. Allele origin: germline.
Comment: This sequence change replaces glutamine, which is neutral and polar, with histidine, which is basic and polar, at codon 271 of the SON protein (p.Gln271His). This variant is not present in population databases (gnomAD no frequency). This variant has not been reported in the literature in individuals affected with SON-related conditions. An algorithm developed to predict the effect of missense changes on protein structure and function (PolyPhen-2) suggests that this variant is likely to be tolerated. In summary, the available evidence is currently insufficient to determine the role of this variant in disease. Therefore, it has been classified as a Variant of Uncertain Significance.

NM_138927.4(SON):c.813G>C (p.Gln271His)

Gene: SON (SON DNA and RNA binding protein; plus strand). Cytogenetic location: 21q22.11.
Variant type: single nucleotide variant.
Coding change: c.813G>C on transcript NM_138927.4 (MANE Select); coding-DNA position 813, G replaced by C.
Protein change: p.Gln271His; replaces glutamine 271 with histidine.
Molecular consequence: missense variant. On other transcripts: non-coding transcript variant (1), intron variant (1).
Genome position (GRCh38, 1-based): chr21:33,550,044, G>C. VCF-style: chr21-33550044-G-C. GRCh37 (hg19) VCF-style: chr21-34922350-G-C.
Other names: c.813G>C, p.Gln271His (NM_001291411.2, NM_032195.3); c.244+3665G>C (NM_001291412.3); short protein forms Q271H.
Identifiers: ClinVar variation 4769793 (VCV004769793.1).